The following is an entry in ClinVar:

NM_001083619.3(GRIA2):c.1045A>T (p.Lys349Ter)

Gene: GRIA2 (glutamate ionotropic receptor AMPA type subunit 2; plus strand). Cytogenetic location: 4q32.1.
Variant type: single nucleotide variant.
Coding change: c.1045A>T on transcript NM_001083619.3 (MANE Select); coding-DNA position 1045, A replaced by T.
Protein change: p.Lys349Ter; replaces lysine 349 with a stop codon.
Molecular consequence: nonsense.
Genome position (GRCh38, 1-based): chr4:157,332,981, A>T. VCF-style: chr4-157332981-A-T. GRCh37 (hg19) VCF-style: chr4-158254133-A-T.
Other names: c.1045A>T, p.Lys349Ter (NM_000826.6); c.904A>T, p.Lys302Ter (NM_001083620.3, NM_001379000.3, NM_001379001.3); short protein forms K302*, K349*.
Identifiers: ClinVar variation 4293804 (VCV004293804.1).

ClinVar aggregate classification (germline): Likely pathogenic (1 of 4 stars; one submission).

Conditions:
Neurodevelopmental disorder with language impairment and behavioral abnormalities. Also called: GRIA2-related neurodevelopmental disorder. Identifiers: MedGen C5394502, MONDO:0030060, OMIM 618917.

Submission:

3billion
Classification: Likely pathogenic for Neurodevelopmental disorder with language impairment and behavioral abnormalities. Last evaluated: 2025-01-22. Review status: criteria provided, single submitter. Criteria: ACMG Guidelines, 2015. Collection method: clinical testing. Allele origin: germline. Affected: yes.
Comment: The variant is not observed in the gnomAD v4.1.0 dataset. Predicted Consequence/Location: Stop-gained (nonsense): predicted to result in a loss or disruption of normal protein function through nonsense-mediated decay (NMD) or protein truncation. Multiple pathogenic variants are reported downstream of the variant. Therefore, this variant is classified as Likely pathogenic according to the recommendation of ACMG/AMP guideline.